The following is an entry in ClinVar:

NM_012338.4(TSPAN12):c.225_227del (p.Ile76del)

Gene: TSPAN12 (tetraspanin 12; minus strand). Cytogenetic location: 7q31.31.
Variant type: Deletion.
Coding change: c.225_227del on transcript NM_012338.4 (MANE Select); coding-DNA positions 225 to 227, 3 bases deleted (CAT; older notation c.225_227delCAT).
Protein change: p.Ile76del; deletes isoleucine 76.
Molecular consequence: inframe deletion.
Genome position (GRCh38, 1-based): chr7:120,838,835-120,838,837, ATG deleted on the plus strand (CAT on the coding strand, the reverse complement: TSPAN12 is on the minus strand); deleting any 3 consecutive bases within chr7:120,838,835-120,838,839 gives the same sequence; the c. name uses the placement nearest the transcript's 3' end. VCF-style (leftmost placement, unchanged base first): chr7-120838834-AATG-A. GRCh37 (hg19) VCF-style: chr7-120478888-AATG-A.
Other names: short protein forms I76del.
Identifiers: ClinVar variation 437962 (VCV000437962.3), dbSNP rs1171910750, ClinGen allele CA577571497.

ClinVar aggregate classification (germline): Uncertain significance. Review status: criteria provided, single submitter (1 of 4 stars). 2 submissions from 2 submitters: Uncertain significance (1). 1 of the submissions does not count toward it. Last evaluated 2023-08-11.

Conditions:
Familial exudative vitreoretinopathy. Identifiers: Orphanet 891, MedGen C0339539, MeSH D000080345, MONDO:0019516.
TSPAN12-related disorder. Also called: TSPAN12-related condition.

Submissions (2):

PreventionGenetics, part of Exact Sciences
Classification: Uncertain significance for TSPAN12-related condition. Last evaluated: 2023-08-11. Review status: criteria provided, single submitter. Criteria: ACMG Guidelines, 2015. Collection method: clinical testing. Allele origin: germline.
Comment: The TSPAN12 c.225_227delCAT variant is predicted to result in an in-frame deletion (p.Ile76del). This variant was reported in an individual with familial exudative vitreoretinopathy (Table S2, Patient G001414, Carss et al. 2017. PubMed ID: 28041643; Supplemental Data, Turro et al. 2020. PubMed ID: 32581362). This variant is reported in 0.0029% of alleles in individuals of Latino descent in gnomAD. Although we suspect that this variant may be pathogenic, at this time, the clinical significance of this variant is uncertain due to the absence of conclusive functional and genetic evidence.

NIHR Bioresource Rare Diseases, University of Cambridge
Classification: Likely pathogenic. Last evaluated: 2015-01-01. Review status: no assertion criteria provided. Collection method: research. Allele origin: unknown. Affected: yes. Observed: 1 variant allele. Not counted in ClinVar's aggregate classification.

Literature cited by the submitters: PubMed 28041643 (cited by NIHR Bioresource Rare Diseases, University of Cambridge).